The following is an entry in ClinVar:

NM_001080517.3(SETD5):c.1600C>G (p.Gln534Glu)

Gene: SETD5 (SET domain containing 5; plus strand). Cytogenetic location: 3p25.3.
Variant type: single nucleotide variant.
Coding change: c.1600C>G on transcript NM_001080517.3 (MANE Select); coding-DNA position 1600, C replaced by G.
Protein change: p.Gln534Glu; replaces glutamine 534 with glutamic acid.
Molecular consequence: missense variant.
Genome position (GRCh38, 1-based): chr3:9,447,125, C>G. VCF-style: chr3-9447125-C-G. GRCh37 (hg19) VCF-style: chr3-9488809-C-G.
Other names: c.1600C>G (NM_001080517.1); c.1306C>G, p.Gln436Glu (NM_001292043.2, NM_001349451.2); short protein forms Q436E, Q534E.
Identifiers: ClinVar variation 1964343 (VCV001964343.6), dbSNP rs200917280, ClinGen allele CA2239242.

ClinVar aggregate classification (germline): Conflicting classifications of pathogenicity. Review status: criteria provided, conflicting classifications (1 of 4 stars). 2 submissions from 2 submitters: Uncertain significance (1); Likely benign (1). Last evaluated 2025-05-03.

Conditions:
Inborn genetic diseases. Identifiers: MedGen C0950123, MeSH D030342.

Allele frequency attached by ClinVar (database versions not stated): ExAC 0.00002; gnomAD 0.00002; TOPMed 0.00003; gnomAD exomes 0.00004.
gnomAD v4.1: 59 of 1,613,872 alleles (0.0037%); highest among the groups gnomAD compares: Non-Finnish European, 0.0047%; no homozygotes.

Submissions (2):

Labcorp Genetics (formerly Invitae), Labcorp
Classification: Uncertain significance. Last evaluated: 2025-05-03. Review status: criteria provided, single submitter. Criteria: Invitae Variant Classification Sherloc (09022015). Collection method: clinical testing. Allele origin: germline.
Comment: This sequence change replaces glutamine, which is neutral and polar, with glutamic acid, which is acidic and polar, at codon 534 of the SETD5 protein (p.Gln534Glu). This variant is present in population databases (rs200917280, gnomAD 0.006%). This variant has not been reported in the literature in individuals affected with SETD5-related conditions. ClinVar contains an entry for this variant (Variation ID: 1964343). Invitae Evidence Modeling of protein sequence and biophysical properties (such as structural, functional, and spatial information, amino acid conservation, physicochemical variation, residue mobility, and thermodynamic stability) indicates that this missense variant is not expected to disrupt SETD5 protein function with a negative predictive value of 80%. In summary, the available evidence is currently insufficient to determine the role of this variant in disease. Therefore, it has been classified as a Variant of Uncertain Significance.

Ambry Genetics
Classification: Likely benign for Inborn genetic diseases. Last evaluated: 2024-10-17. Review status: criteria provided, single submitter. Criteria: Ambry Variant Classification Scheme 2023. Collection method: clinical testing. Allele origin: germline.